The following is an entry in ClinVar:

NM_031921.6(ATAD3B):c.1732G>A (p.Gly578Arg)

Gene: ATAD3B (ATPase family AAA domain containing 3B; plus strand). Cytogenetic location: 1p36.33.
Variant type: single nucleotide variant.
Coding change: c.1732G>A on transcript NM_031921.6 (MANE Select); coding-DNA position 1732, G replaced by A.
Protein change: p.Gly578Arg; replaces glycine 578 with arginine.
Molecular consequence: missense variant.
Genome position (GRCh38, 1-based): chr1:1,495,602, G>A. VCF-style: chr1-1495602-G-A. GRCh37 (hg19) VCF-style: chr1-1430982-G-A.
Other names: c.1594G>A, p.Gly532Arg (NM_001317238.2); short protein forms G532R, G578R.
Identifiers: ClinVar variation 4830158 (VCV004830158.1).

ClinVar aggregate classification (germline): Uncertain significance (1 of 4 stars; one submission).

Submission:

Ambry Genetics
Classification: Uncertain significance. Last evaluated: 2026-02-26. Review status: criteria provided, single submitter. Criteria: Ambry Variant Classification Scheme 2023. Collection method: clinical testing. Allele origin: germline.
Comment: The c.1732G>A (p.G578R) alteration is located in exon 16 (coding exon 16) of the ATAD3B gene. This alteration results from a G to A substitution at nucleotide position 1732, causing the glycine (G) at amino acid position 578 to be replaced by an arginine (R). Based on data from gnomAD, the A allele has an overall frequency of 0.006% (16/250746) total alleles studied. The highest observed frequency was 0.052% (16/30602) of South Asian alleles. Based on insufficient or conflicting evidence, the clinical significance of this alteration remains unclear.